The following is an entry in ClinVar:

ClinVar aggregate classification (germline): Uncertain significance (1 of 4 stars; one submission).

Conditions:
SEMA3E-related disorder. Also called: SEMA3E-related condition.

Submission:

PreventionGenetics, part of Exact Sciences
Classification: Uncertain significance for SEMA3E-related condition. Last evaluated: 2024-11-26. Review status: criteria provided, single submitter. Criteria: ACMG Guidelines, 2015. Collection method: clinical testing. Allele origin: germline.
Comment: The SEMA3E c.1410A>C variant is predicted to result in the amino acid substitution p.Glu470Asp. To our knowledge, this variant has not been reported in the literature or in a large population database (gnomAD), indicating this variant is rare. At this time, the clinical significance of this variant is uncertain due to the absence of conclusive functional and genetic evidence.

NM_012431.3(SEMA3E):c.1410A>C (p.Glu470Asp)

Gene: SEMA3E (semaphorin 3E; minus strand). Cytogenetic location: 7q21.11.
Variant type: single nucleotide variant.
Coding change: c.1410A>C on transcript NM_012431.3 (MANE Select); coding-DNA position 1410, A replaced by C.
Protein change: p.Glu470Asp; replaces glutamic acid 470 with aspartic acid.
Molecular consequence: missense variant.
Genome position (GRCh38, 1-based): chr7:83,396,686, T>G on the plus strand (A>C on the coding strand, the complement: SEMA3E is on the minus strand). VCF-style: chr7-83396686-T-G. GRCh37 (hg19) VCF-style: chr7-83026002-T-G.
Other names: c.1230A>C, p.Glu410Asp (NM_001178129.2); short protein forms E410D, E470D.
Identifiers: ClinVar variation 5001815 (VCV005001815.1).
Genomic context (GRCh38, chr7:83,396,686, plus strand): 5'-TGCTTTAAATACCTTGAATATCTGAAGTTCTTCTAGAATTACTTCTTCCATTGATTCCAT[T>G]TCTTGGTTGTAAATTGTGATTACTTTCAGCACAATTCCATTATCTGTAAGAAAACAAAAC-3'
Protein context (NP_036563.1, residues 460-480): VLKVITIYNQ[Glu470Asp]MESMEEVILE